The following is an entry in ClinVar:

NM_002608.4(PDGFB):c.540T>G (p.Cys180Trp)

Gene: PDGFB (platelet derived growth factor subunit B; minus strand). Cytogenetic location: 22q13.1.
Variant type: single nucleotide variant.
Coding change: c.540T>G on transcript NM_002608.4 (MANE Select); coding-DNA position 540, T replaced by G.
Protein change: p.Cys180Trp; replaces cysteine 180 with tryptophan.
Molecular consequence: missense variant.
Genome position (GRCh38, 1-based): chr22:39,230,145, A>C on the plus strand (T>G on the coding strand, the complement: PDGFB is on the minus strand). VCF-style: chr22-39230145-A-C. GRCh37 (hg19) VCF-style: chr22-39626150-A-C.
Other names: c.495T>G, p.Cys165Trp (NM_033016.3); short protein forms C165W, C180W.
Identifiers: ClinVar variation 981863 (VCV000981863.2), dbSNP rs938487402, ClinGen allele CA324359784.

ClinVar aggregate classification (germline): Uncertain significance. Review status: criteria provided, multiple submitters, no conflicts (2 of 4 stars). 2 submissions from 2 submitters: Uncertain significance (2). Last evaluated 2026-03-05.

Conditions:
Hereditary breast ovarian cancer syndrome. Also called: Hereditary breast and ovarian cancer syndrome; Hereditary breast and/or ovarian cancer syndrome; Hereditary breast and ovarian cancer syndrome (HBOC); Hereditary breast and ovarian cancer; Breast and ovarian cancer; BRCA1- and BRCA2-Associated Hereditary Breast and Ovarian Cancer. Identifiers: Orphanet 145, MedGen C0677776, MeSH D061325, MONDO:0003582. Disease mechanism: loss of function.
Familial meningioma. Also called: Meningioma, familial, susceptibility to. Identifiers: Orphanet 263662, MedGen C3551915, MONDO:0011789, OMIM 607174.

Allele frequency attached by ClinVar (database versions not stated): TOPMed 0.00001.

Submissions (2):

Mendelics
Classification: Uncertain significance for Familial meningioma. Last evaluated: 2026-03-05. Review status: criteria provided, single submitter. Criteria: ACMG Guidelines, 2015. Collection method: clinical testing. Allele origin: unknown.
Comment: The available evidence is insufficient to conclusively determine the role of this variant. Therefore, it is classified as a Variant of Uncertain Significance.

Molecular Oncology Research Center, Barretos Cancer Hospital
Classification: Uncertain significance for Hereditary breast ovarian cancer syndrome. Last evaluated: 2020-08-01. Review status: criteria provided, single submitter. Criteria: ACMG Guidelines, 2015. Collection method: research. Allele origin: germline. Affected: yes. Observed: 1 variant allele.